The following is an entry in ClinVar:

NM_001111125.3(IQSEC2):c.2120A>G (p.Glu707Gly)

Gene: IQSEC2 (IQ motif and Sec7 domain ArfGEF 2; minus strand). Cytogenetic location: Xp11.22.
Variant type: single nucleotide variant.
Coding change: c.2120A>G on transcript NM_001111125.3 (MANE Select); coding-DNA position 2120, A replaced by G.
Protein change: p.Glu707Gly; replaces glutamic acid 707 with glycine.
Molecular consequence: missense variant.
Genome position (GRCh38, 1-based): chrX:53,250,456, T>C on the plus strand (A>G on the coding strand, the complement: IQSEC2 is on the minus strand). VCF-style: chrX-53250456-T-C. GRCh37 (hg19) VCF-style: chrX-53279638-T-C.
Other names: c.2120A>G, p.Glu707Gly (NM_001410736.1); c.1505A>G, p.Glu502Gly (NM_015075.2); short protein forms E502G, E707G.
Identifiers: ClinVar variation 3634903 (VCV003634903.2).

ClinVar aggregate classification (germline): Uncertain significance (1 of 4 stars; one submission).

Conditions:
Intellectual developmental disorder, X-linked 1. Also called: Atkin Flaitz Patil Smith syndrome; MENTAL RETARDATION, X-LINKED 18; MENTAL RETARDATION, X-LINKED 78; Intellectual disability, X-linked 1. Identifiers: Orphanet 777, MedGen C2931498, MONDO:0010656, OMIM 309530.

Submission:

Labcorp Genetics (formerly Invitae), Labcorp
Classification: Uncertain significance for Intellectual developmental disorder, X-linked 1. Last evaluated: 2024-03-03. Review status: criteria provided, single submitter. Criteria: Invitae Variant Classification Sherloc (09022015). Collection method: clinical testing. Allele origin: germline.
Comment: This sequence change replaces glutamic acid, which is acidic and polar, with glycine, which is neutral and non-polar, at codon 707 of the IQSEC2 protein (p.Glu707Gly). This variant is not present in population databases (gnomAD no frequency). This variant has not been reported in the literature in individuals affected with IQSEC2-related conditions. Advanced modeling of protein sequence and biophysical properties (such as structural, functional, and spatial information, amino acid conservation, physicochemical variation, residue mobility, and thermodynamic stability) performed at Invitae indicates that this missense variant is not expected to disrupt IQSEC2 protein function with a negative predictive value of 95%. In summary, the available evidence is currently insufficient to determine the role of this variant in disease. Therefore, it has been classified as a Variant of Uncertain Significance.